The following is an entry in ClinVar:

NM_001382391.1(CSPP1):c.2751A>C (p.Arg917Ser)

Gene: CSPP1 (centrosome and spindle pole associated protein 1; plus strand). Cytogenetic location: 8q13.2.
Variant type: single nucleotide variant.
Coding change: c.2751A>C on transcript NM_001382391.1 (MANE Select); coding-DNA position 2751, A replaced by C.
Protein change: p.Arg917Ser; replaces arginine 917 with serine.
Molecular consequence: missense variant.
Genome position (GRCh38, 1-based): chr8:67,164,431, A>C. VCF-style: chr8-67164431-A-C. GRCh37 (hg19) VCF-style: chr8-68076666-A-C.
Other names: c.1701A>C, p.Arg567Ser (NM_001291339.2); c.2670A>C, p.Arg890Ser (NM_001363131.2); c.2556A>C, p.Arg852Ser (NM_001363132.2); c.2475A>C, p.Arg825Ser (NM_001363133.2); c.2817A>C, p.Arg939Ser (NM_001364869.1); c.2637A>C, p.Arg879Ser (NM_001364870.1); c.2736A>C, p.Arg912Ser (NM_024790.7); short protein forms R912S, R939S, R825S, R852S, R879S, R890S, R567S, R917S.
Identifiers: ClinVar variation 854998 (VCV000854998.8), dbSNP rs201720914, ClinGen allele CA4770934.

ClinVar aggregate classification (germline): Uncertain significance. Review status: criteria provided, multiple submitters, no conflicts (2 of 4 stars). 4 submissions from 4 submitters: Uncertain significance (4). Last evaluated 2026-08-18.

Conditions:
CSPP1-related disorder. Also called: CSPP1-related condition.
Joubert syndrome 21 (JBTS21). Identifiers: MedGen C3810212, MONDO:0014288, OMIM 615636.

Allele frequency attached by ClinVar (database versions not stated): ExAC 0.00009; gnomAD exomes 0.00010 and 0.00031; 1000 Genomes Project 30x 0.00016; 1000 Genomes Project 0.00020; TOPMed 0.00027; ESP Exome Variant Server 0.00034.
gnomAD v4.1: 468 of 1,604,710 alleles (0.029%); highest among the groups gnomAD compares: Non-Finnish European, 0.038%; no homozygotes.

Submissions (4):

PreventionGenetics, part of Exact Sciences
Classification: Uncertain significance for CSPP1-related condition. Last evaluated: 2026-08-18. Review status: criteria provided, single submitter. Criteria: ACMG Guidelines, 2015. Collection method: clinical testing. Allele origin: germline.
Comment: The CSPP1 c.2736A>C variant is predicted to result in the amino acid substitution p.Arg912Ser. This variant was reported in an individual with retinal disease (Table S1, Diñeiro et al. 2020. PubMed ID: 32483926). This variant is reported in 0.017% of alleles in individuals of European (Non-Finnish) descent in gnomAD. At this time, the clinical significance of this variant is uncertain due to the absence of conclusive functional and genetic evidence.

GeneDx
Classification: Uncertain significance. Last evaluated: 2024-05-20. Review status: criteria provided, single submitter. Criteria: GeneDx Variant Classification Process June 2021. Collection method: clinical testing. Allele origin: germline. Affected: yes.
Comment: In silico analysis supports that this missense variant has a deleterious effect on protein structure/function; This variant is associated with the following publications: (PMID: 32483926)

Blueprint Genetics
Classification: Uncertain significance. Last evaluated: 2024-03-25. Review status: criteria provided, single submitter. Criteria: ACMG Guidelines, 2015. Collection method: clinical testing. Allele origin: germline.

Labcorp Genetics (formerly Invitae), Labcorp
Classification: Uncertain significance for Joubert syndrome 21. Last evaluated: 2022-08-16. Review status: criteria provided, single submitter. Criteria: Invitae Variant Classification Sherloc (09022015). Collection method: clinical testing. Allele origin: germline.
Comment: This sequence change replaces arginine, which is basic and polar, with serine, which is neutral and polar, at codon 912 of the CSPP1 protein (p.Arg912Ser). This variant is present in population databases (rs201720914, gnomAD 0.02%). This variant has not been reported in the literature in individuals affected with CSPP1-related conditions. ClinVar contains an entry for this variant (Variation ID: 854998). Algorithms developed to predict the effect of missense changes on protein structure and function are either unavailable or do not agree on the potential impact of this missense change (SIFT: "Deleterious"; PolyPhen-2: "Probably Damaging"; Align-GVGD: "Class C0"). In summary, the available evidence is currently insufficient to determine the role of this variant in disease. Therefore, it has been classified as a Variant of Uncertain Significance.